The following is an entry in ClinVar:

NM_000921.5(PDE3A):c.954G>C (p.Arg318Ser)

Genes: PDE3A (phosphodiesterase 3A; plus strand), PDE3A-AS1 (PDE3A antisense RNA 1; minus strand). Cytogenetic location: 12p12.2.
Variant type: single nucleotide variant.
Coding change: c.954G>C on transcript NM_000921.5 (MANE Select); coding-DNA position 954, G replaced by C.
Protein change: p.Arg318Ser; replaces arginine 318 with serine.
Molecular consequence: missense variant. On other transcripts: non-coding transcript variant (1), 5 prime UTR variant (1).
Genome position (GRCh38, 1-based): chr12:20,370,238, G>C. VCF-style: chr12-20370238-G-C. GRCh37 (hg19) VCF-style: chr12-20523172-G-C.
Other names: c.954G>C, p.Arg318Ser (NM_001378407.1); c.-75G>C (NM_001378408.1); short protein forms R318S.
Identifiers: ClinVar variation 4691330 (VCV004691330.1).
Genomic context (GRCh38, chr12:20,370,238, plus strand): 5'-CGAGATGTCCGGCTGCAGCAGCAAGTCCCATCGGAGGACCTCCCTGCCCTGTATACCGAG[G>C]GAACAGGTAAGCACTGGCAACTCCTCTCTCGGCTCTTGGAAACTTGAAACACTTGGCAAC-3'
Protein context (NP_000912.3, residues 308-328): HRRTSLPCIP[Arg318Ser]EQLMGHSEWD

ClinVar aggregate classification (germline): Uncertain significance (1 of 4 stars; one submission).

gnomAD v4.1: 2 of 1,551,156 alleles (0.00013%); highest among the groups gnomAD compares: Admixed American, 0.004%; no homozygotes.

Submission:

Labcorp Genetics (formerly Invitae), Labcorp
Classification: Uncertain significance. Last evaluated: 2025-07-13. Review status: criteria provided, single submitter. Criteria: Invitae Variant Classification Sherloc (09022015). Collection method: clinical testing. Allele origin: germline.
Comment: This sequence change replaces arginine, which is basic and polar, with serine, which is neutral and polar, at codon 318 of the PDE3A protein (p.Arg318Ser). This variant is present in population databases (rs754658914, gnomAD 0.009%). This variant has not been reported in the literature in individuals affected with PDE3A-related conditions. An algorithm developed to predict the effect of missense changes on protein structure and function (PolyPhen-2) suggests that this variant is likely to be tolerated. In summary, the available evidence is currently insufficient to determine the role of this variant in disease. Therefore, it has been classified as a Variant of Uncertain Significance.